The following is an entry in ClinVar:

ClinVar aggregate classification (germline): Uncertain significance (1 of 4 stars; one submission).

Conditions:
Inborn genetic diseases. Identifiers: MedGen C0950123, MeSH D030342.

Allele frequency attached by ClinVar (database versions not stated): gnomAD exomes below 0.00001 and 0.00003; ExAC 0.00001; gnomAD 0.00001; TOPMed 0.00002.
gnomAD v4.1: 48 of 1,611,776 alleles (0.003%); highest among the groups gnomAD compares: Non-Finnish European, 0.0038%; no homozygotes.

Submission:

Ambry Genetics
Classification: Uncertain significance for Inborn genetic diseases. Last evaluated: 2020-02-03. Review status: criteria provided, single submitter. Criteria: Ambry Variant Classification Scheme 2023. Collection method: clinical testing. Allele origin: germline.
Comment: The alteration results in an amino acid change:_x000D_ _x000D_ The c.1282A>G (p.I428V) alteration is located in coding exon 11 of the SMARCD1 gene. This alteration results from a A to G substitution at nucleotide position 1282, causing the isoleucine (I) at amino acid position 428 to be replaced by a valine (V). The alteration is rare in population databases: _x000D_ _x000D_ Based on data from the Genome Aggregation Database (gnomAD), the c.1282A>G alteration was observed in 0.0007% (2/282430) of total alleles studied, with a frequency of 0.0016% (2/129022) in the European (non-Finnish) subpopulation. The altered amino acid is conserved throughout evolution:_x000D_ _x000D_ The p.I428 amino acid is conserved in available vertebrate species. The alteration is predicted tolerated by in silico modeling:_x000D_ _x000D_ The p.I428V alteration is predicted to be tolerated by in silico analysis. Based on insufficient or conflicting evidence, the clinical significance of this alteration remains unclear.

NM_003076.5(SMARCD1):c.1282A>G (p.Ile428Val)

Gene: SMARCD1 (SWI/SNF related BAF chromatin remodeling complex subunit D1; plus strand). Cytogenetic location: 12q13.12.
Variant type: single nucleotide variant.
Coding change: c.1282A>G on transcript NM_003076.5 (MANE Select); coding-DNA position 1282, A replaced by G.
Protein change: p.Ile428Val; replaces isoleucine 428 with valine.
Molecular consequence: missense variant. On other transcripts: intron variant (1).
Genome position (GRCh38, 1-based): chr12:50,096,862, A>G. VCF-style: chr12-50096862-A-G. GRCh37 (hg19) VCF-style: chr12-50490645-A-G.
Other names: c.1270-1852A>G (NM_139071.3); short protein forms I428V.
Identifiers: ClinVar variation 985347 (VCV000985347.4), dbSNP rs762849068, ClinGen allele CA6561306.